The following is an entry in ClinVar:

NM_001065.4(TNFRSF1A):c.1108C>T (p.Arg370Cys)

Gene: TNFRSF1A (TNF receptor superfamily member 1A; minus strand). Cytogenetic location: 12p13.31.
Variant type: single nucleotide variant.
Coding change: c.1108C>T on transcript NM_001065.4 (MANE Select); coding-DNA position 1108, C replaced by T.
Protein change: p.Arg370Cys; replaces arginine 370 with cysteine.
Molecular consequence: missense variant. On other transcripts: non-coding transcript variant (1).
Genome position (GRCh38, 1-based): chr12:6,329,572, G>A on the plus strand (C>T on the coding strand, the complement: TNFRSF1A is on the minus strand). VCF-style: chr12-6329572-G-A. GRCh37 (hg19) VCF-style: chr12-6438738-G-A.
Other names: c.784C>T, p.Arg262Cys (NM_001346091.2); c.649C>T, p.Arg217Cys (NM_001346092.2); short protein forms R217C, R262C, R370C.
Identifiers: ClinVar variation 2724175 (VCV002724175.3), dbSNP rs765407751, ClinGen allele CA6405261.
Genomic context (GRCh38, chr12:6,329,572, plus strand): 5'-GCTCCAGCCGATCGATCTCGTGGTCGCTCAGCCCTAGGCGCCGCACGAATTCCTTCCAGC[G>A]CAACGGGGGCACGTTCTCCACCACGGCGTACAGCGTCGCGGGGTCATCAGCTGCGGGGAC-3'
Protein context (NP_001056.1, residues 360-380): YAVVENVPPL[Arg370Cys]WKEFVRRLGL

ClinVar aggregate classification (germline): Uncertain significance (1 of 4 stars; one submission).

Conditions:
TNF receptor-associated periodic fever syndrome (TRAPS) (FPF). Also called: TNF receptor 1-associated periodic fever syndrome; TNF Receptor-Associated Periodic Fever Syndrome; FAMILIAL HIBERNIAN FEVER; TNF RECEPTOR-ASSOCIATED PERIODIC SYNDROME; TUMOR NECROSIS FACTOR RECEPTOR-ASSOCIATED PERIODIC SYNDROME; Autosomal Dominant Familial Periodic Fever. Identifiers: Orphanet 32960, MedGen C1275126, MONDO:0007727, OMIM 142680.

Allele frequency attached by ClinVar (database versions not stated): TOPMed below 0.00001.
gnomAD v4.1: 6 of 1,591,952 alleles (0.00038%); highest among the groups gnomAD compares: Non-Finnish European, 0.00026%; no homozygotes.

Submission:

Labcorp Genetics (formerly Invitae), Labcorp
Classification: Uncertain significance for TNF receptor-associated periodic fever syndrome (TRAPS). Last evaluated: 2025-05-18. Review status: criteria provided, single submitter. Criteria: Invitae Variant Classification Sherloc (09022015). Collection method: clinical testing. Allele origin: germline.
Comment: This sequence change replaces arginine, which is basic and polar, with cysteine, which is neutral and slightly polar, at codon 370 of the TNFRSF1A protein (p.Arg370Cys). This variant is not present in population databases (gnomAD no frequency). This variant has not been reported in the literature in individuals affected with TNFRSF1A-related conditions. ClinVar contains an entry for this variant (Variation ID: 2724175). Invitae Evidence Modeling of protein sequence and biophysical properties (such as structural, functional, and spatial information, amino acid conservation, physicochemical variation, residue mobility, and thermodynamic stability) has been performed for this missense variant. However, the output from this modeling did not meet the statistical confidence thresholds required to predict the impact of this variant on TNFRSF1A protein function. In summary, the available evidence is currently insufficient to determine the role of this variant in disease. Therefore, it has been classified as a Variant of Uncertain Significance.